The following is an entry in ClinVar:

ClinVar aggregate classification (germline): Uncertain significance (1 of 4 stars; one submission).

Allele frequency attached by ClinVar (database versions not stated): ESP Exome Variant Server 0.00008; ExAC 0.00001.
gnomAD v4.1: 15 of 1,612,410 alleles (0.00093%); highest among the groups gnomAD compares: African/African-American, 0.013%; no homozygotes.

Submission:

GeneDx
Classification: Uncertain significance. Last evaluated: 2024-06-10. Review status: criteria provided, single submitter. Criteria: GeneDx Variant Classification Process June 2021. Collection method: clinical testing. Allele origin: germline.
Comment: In silico analysis supports that this missense variant has a deleterious effect on protein structure/function; Has not been previously published as pathogenic or benign to our knowledge; Reported using an alternate transcript of the gene

NM_001374736.1(DST):c.23216G>A (p.Arg7739Gln)

Gene: DST (dystonin; minus strand). Cytogenetic location: 6p12.1.
Variant type: single nucleotide variant.
Coding change: c.23216G>A on transcript NM_001374736.1 (MANE Select); coding-DNA position 23216, G replaced by A.
Protein change: p.Arg7739Gln; replaces arginine 7739 with glutamine.
Molecular consequence: missense variant.
Genome position (GRCh38, 1-based): chr6:56,459,246, C>T on the plus strand (G>A on the coding strand, the complement: DST is on the minus strand). VCF-style: chr6-56459246-C-T. GRCh37 (hg19) VCF-style: chr6-56324044-C-T.
Other names: c.16787G>A, p.Arg5596Gln (NM_001144769.5); c.16373G>A, p.Arg5458Gln (NM_001144770.2); c.23144G>A, p.Arg7715Gln (NM_001374722.1); c.22145G>A, p.Arg7382Gln (NM_001374729.1); c.15887G>A, p.Arg5296Gln (NM_001374730.1); c.23171G>A, p.Arg7724Gln (NM_001374734.1); c.16235G>A, p.Arg5412Gln (NM_001386100.1); c.15275G>A, p.Arg5092Gln (NM_015548.5); and 1 more; short protein forms R5092Q, R5296Q, R5412Q, R5418Q, R5458Q, R5596Q, R7382Q, R7715Q.
Identifiers: ClinVar variation 2499282 (VCV002499282.2), dbSNP rs373455908, ClinGen allele CA3865999.